The following is an entry in ClinVar:

NM_152743.4(BRAT1):c.1451C>T (p.Thr484Ile)

Gene: BRAT1 (BRCA1 associated ATM activator 1; minus strand). Cytogenetic location: 7p22.3.
Variant type: single nucleotide variant.
Coding change: c.1451C>T on transcript NM_152743.4 (MANE Select); coding-DNA position 1451, C replaced by T.
Protein change: p.Thr484Ile; replaces threonine 484 with isoleucine.
Molecular consequence: missense variant. On other transcripts: non-coding transcript variant (1).
Genome position (GRCh38, 1-based): chr7:2,539,833, G>A on the plus strand (C>T on the coding strand, the complement: BRAT1 is on the minus strand). VCF-style: chr7-2539833-G-A. GRCh37 (hg19) VCF-style: chr7-2579467-G-A.
Other names: c.1451C>T, p.Thr484Ile (NM_001350626.2); c.926C>T, p.Thr309Ile (NM_001350627.2); short protein forms T484I, T309I.
Identifiers: ClinVar variation 574195 (VCV000574195.6), dbSNP rs200248064, ClinGen allele CA366628238.

ClinVar aggregate classification (germline): Uncertain significance (1 of 4 stars; one submission).

Conditions:
Neonatal-onset encephalopathy with rigidity and seizures. Also called: Lethal neonatal spasticity-epileptic encephalopathy syndrome. Identifiers: Orphanet 435845, MedGen C3281029, MONDO:0013784, OMIM 614498.

gnomAD v4.1: 3 of 1,609,916 alleles (0.00019%); highest among the groups gnomAD compares: South Asian, 0.0011%; no homozygotes.

Submission:

Labcorp Genetics (formerly Invitae), Labcorp
Classification: Uncertain significance for Neonatal-onset encephalopathy with rigidity and seizures. Last evaluated: 2021-09-01. Review status: criteria provided, single submitter. Criteria: Invitae Variant Classification Sherloc (09022015). Collection method: clinical testing. Allele origin: germline.
Comment: This sequence change replaces threonine with isoleucine at codon 484 of the BRAT1 protein (p.Thr484Ile). The threonine residue is moderately conserved and there is a moderate physicochemical difference between threonine and isoleucine. This variant is not present in population databases (ExAC no frequency). This variant has not been reported in the literature in individuals affected with BRAT1-related conditions. Algorithms developed to predict the effect of missense changes on protein structure and function (SIFT, PolyPhen-2, Align-GVGD) all suggest that this variant is likely to be tolerated. In summary, the available evidence is currently insufficient to determine the role of this variant in disease. Therefore, it has been classified as a Variant of Uncertain Significance.